The following is an entry in ClinVar:

NM_194277.3(FRMD7):c.1669A>G (p.Thr557Ala)

Gene: FRMD7 (FERM domain containing 7; minus strand). Cytogenetic location: Xq26.2.
Variant type: single nucleotide variant.
Coding change: c.1669A>G on transcript NM_194277.3 (MANE Select); coding-DNA position 1669, A replaced by G.
Protein change: p.Thr557Ala; replaces threonine 557 with alanine.
Molecular consequence: missense variant.
Genome position (GRCh38, 1-based): chrX:132,078,348, T>C on the plus strand (A>G on the coding strand, the complement: FRMD7 is on the minus strand). VCF-style: chrX-132078348-T-C. GRCh37 (hg19) VCF-style: chrX-131212376-T-C.
Other names: c.1624A>G, p.Thr542Ala (NM_001306193.2); short protein forms T542A, T557A.
Identifiers: ClinVar variation 2814055 (VCV002814055.3), dbSNP rs2520695700, ClinGen allele CA414678564.

ClinVar aggregate classification (germline): Uncertain significance (1 of 4 stars; one submission).

Submission:

Labcorp Genetics (formerly Invitae), Labcorp
Classification: Uncertain significance. Last evaluated: 2022-11-22. Review status: criteria provided, single submitter. Criteria: Invitae Variant Classification Sherloc (09022015). Collection method: clinical testing. Allele origin: germline.
Comment: Algorithms developed to predict the effect of missense changes on protein structure and function (SIFT, PolyPhen-2, Align-GVGD) all suggest that this variant is likely to be tolerated. In summary, the available evidence is currently insufficient to determine the role of this variant in disease. Therefore, it has been classified as a Variant of Uncertain Significance. This variant has not been reported in the literature in individuals affected with FRMD7-related conditions. This variant is not present in population databases (gnomAD no frequency). This sequence change replaces threonine, which is neutral and polar, with alanine, which is neutral and non-polar, at codon 557 of the FRMD7 protein (p.Thr557Ala).